The following is an entry in ClinVar:

ClinVar aggregate classification (germline): Uncertain significance (1 of 4 stars; one submission).

Submission:

Labcorp Genetics (formerly Invitae), Labcorp
Classification: Uncertain significance. Last evaluated: 2022-03-07. Review status: criteria provided, single submitter. Criteria: Invitae Variant Classification Sherloc (09022015). Collection method: clinical testing. Allele origin: germline.
Comment: This sequence change replaces proline, which is neutral and non-polar, with leucine, which is neutral and non-polar, at codon 132 of the COL27A1 protein (p.Pro132Leu). In summary, the available evidence is currently insufficient to determine the role of this variant in disease. Therefore, it has been classified as a Variant of Uncertain Significance. Advanced modeling of protein sequence and biophysical properties (such as structural, functional, and spatial information, amino acid conservation, physicochemical variation, residue mobility, and thermodynamic stability) performed at Invitae indicates that this missense variant is not expected to disrupt COL27A1 protein function. This variant has not been reported in the literature in individuals affected with COL27A1-related conditions. This variant is not present in population databases (gnomAD no frequency).

NM_032888.4(COL27A1):c.395C>T (p.Pro132Leu)

Gene: COL27A1 (collagen type XXVII alpha 1 chain; plus strand). Cytogenetic location: 9q32.
Variant type: single nucleotide variant.
Coding change: c.395C>T on transcript NM_032888.4 (MANE Select); coding-DNA position 395, C replaced by T.
Protein change: p.Pro132Leu; replaces proline 132 with leucine.
Molecular consequence: missense variant.
Genome position (GRCh38, 1-based): chr9:114,167,950, C>T. VCF-style: chr9-114167950-C-T. GRCh37 (hg19) VCF-style: chr9-116930230-C-T.
Other names: short protein forms P132L.
Identifiers: ClinVar variation 2175783 (VCV002175783.4), dbSNP rs1176866131, ClinGen allele CA374589711.